The following is an entry in ClinVar:

NM_000368.5(TSC1):c.2770T>G (p.Leu924Val)

Gene: TSC1 (TSC complex subunit 1; minus strand). Cytogenetic location: 9q34.13.
Variant type: single nucleotide variant.
Coding change: c.2770T>G on transcript NM_000368.5 (MANE Select); coding-DNA position 2770, T replaced by G.
Protein change: p.Leu924Val; replaces leucine 924 with valine.
Molecular consequence: missense variant. On other transcripts: non-coding transcript variant (5).
Genome position (GRCh38, 1-based): chr9:132,897,466, A>C on the plus strand (T>G on the coding strand, the complement: TSC1 is on the minus strand). VCF-style: chr9-132897466-A-C. GRCh37 (hg19) VCF-style: chr9-135772853-A-C.
Other names: c.2617T>G, p.Leu873Val (NM_001162427.2, NM_001406610.1); c.2407T>G, p.Leu803Val (NM_001362177.2, NM_001406614.1, NM_001406615.1 and 4 more transcripts); c.2770T>G, p.Leu924Val (NM_001406592.1, NM_001406593.1, NM_001406594.1 and 2 more transcripts); c.2767T>G, p.Leu923Val (NM_001406597.1, NM_001406598.1, NM_001162426.2 and 2 more transcripts); c.2725T>G, p.Leu909Val (NM_001406609.1, NM_001406608.1); c.2614T>G, p.Leu872Val (NM_001406611.1, NM_001406612.1); c.2572T>G, p.Leu858Val (NM_001406613.1); c.1816T>G, p.Leu606Val (NM_001406628.1, NM_001406627.1); and 8 more; short protein forms L788V, L858V, L873V, L606V, L607V, L803V, L909V, L910V.
Identifiers: ClinVar variation 2729037 (VCV002729037.3), dbSNP rs2131632002, ClinGen allele CA375369162.
Genomic context (GRCh38, chr9:132,897,466, plus strand): 5'-TTCCTGATGAAAGTTACCTTGCCTGGAGTTTGACATCCTCTAGATATTTCTTCTGTTCCA[A>C]AAGAAGGTGGTCTTTCTTGGCCAGGTGAGATTCCAGTTCCAAAATCCGTTTTTGGGAGGT-3'
Protein context (NP_000359.1, residues 914-934): SHLAKKDHLL[Leu924Val]EQKKYLEDVK

ClinVar aggregate classification (germline): Uncertain significance (1 of 4 stars; one submission).

Conditions:
Tuberous sclerosis 1 (TSC1). Identifiers: Orphanet 805, MedGen C1854465, MONDO:0008612, OMIM 191100.

Submission:

Labcorp Genetics (formerly Invitae), Labcorp
Classification: Uncertain significance for Tuberous sclerosis 1. Last evaluated: 2023-06-25. Review status: criteria provided, single submitter. Criteria: Invitae Variant Classification Sherloc (09022015). Collection method: clinical testing. Allele origin: germline.
Comment: In summary, the available evidence is currently insufficient to determine the role of this variant in disease. Therefore, it has been classified as a Variant of Uncertain Significance. Advanced modeling of protein sequence and biophysical properties (such as structural, functional, and spatial information, amino acid conservation, physicochemical variation, residue mobility, and thermodynamic stability) performed at Invitae indicates that this missense variant is not expected to disrupt TSC1 protein function. This variant has not been reported in the literature in individuals affected with TSC1-related conditions. This variant is not present in population databases (gnomAD no frequency). This sequence change replaces leucine, which is neutral and non-polar, with valine, which is neutral and non-polar, at codon 924 of the TSC1 protein (p.Leu924Val).